The following is an entry in ClinVar:

ClinVar aggregate classification (germline): Uncertain significance (1 of 4 stars; one submission).

Conditions:
Cardiovascular phenotype. Identifiers: MedGen CN230736.

Submission:

Ambry Genetics
Classification: Uncertain significance for Cardiovascular phenotype. Last evaluated: 2023-11-29. Review status: criteria provided, single submitter. Criteria: Ambry Variant Classification Scheme 2023. Collection method: clinical testing. Allele origin: germline.
Comment: The p.Y118N variant (also known as c.352T>A), located in coding exon 5 of the MYL2 gene, results from a T to A substitution at nucleotide position 352. The tyrosine at codon 118 is replaced by asparagine, an amino acid with dissimilar properties. This amino acid position is conserved. In addition, the in silico prediction for this alteration is inconclusive. Since supporting evidence is limited at this time, the clinical significance of this alteration remains unclear.

NM_000432.4(MYL2):c.352T>A (p.Tyr118Asn)

Gene: MYL2 (myosin light chain 2; minus strand). Cytogenetic location: 12q24.11.
Variant type: single nucleotide variant.
Coding change: c.352T>A on transcript NM_000432.4 (MANE Select); coding-DNA position 352, T replaced by A.
Protein change: p.Tyr118Asn; replaces tyrosine 118 with asparagine.
Molecular consequence: missense variant.
Genome position (GRCh38, 1-based): chr12:110,913,247, A>T on the plus strand (T>A on the coding strand, the complement: MYL2 is on the minus strand). VCF-style: chr12-110913247-A-T. GRCh37 (hg19) VCF-style: chr12-111351051-A-T.
Other names: c.310T>A, p.Tyr104Asn (NM_001406745.1, NM_001406746.1); c.295T>A, p.Tyr99Asn (NM_001406916.1); short protein forms Y104N, Y118N, Y99N.
Identifiers: ClinVar variation 3231728 (VCV003231728.1), dbSNP rs2499808472, ClinGen allele CA386697857.